The following is an entry in ClinVar:

NM_001283009.2(RTEL1):c.2983G>A (p.Asp995Asn)

Genes: RTEL1 (regulator of telomere elongation helicase 1; plus strand), RTEL1-TNFRSF6B (RTEL1-TNFRSF6B readthrough (NMD candidate); plus strand). Cytogenetic location: 20q13.33.
Variant type: single nucleotide variant.
Coding change: c.2983G>A on transcript NM_001283009.2 (MANE Select); coding-DNA position 2983, G replaced by A.
Protein change: p.Asp995Asn; replaces aspartic acid 995 with asparagine.
Molecular consequence: missense variant. On other transcripts: non-coding transcript variant (1).
Genome position (GRCh38, 1-based): chr20:63,693,274, G>A. VCF-style: chr20-63693274-G-A. GRCh37 (hg19) VCF-style: chr20-62324627-G-A.
Other names: c.3055G>A (NM_032957.4); c.2314G>A, p.Asp772Asn (NM_001283010.1); c.2983G>A, p.Asp995Asn (NM_016434.4); c.3055G>A, p.Asp1019Asn (NM_032957.5); short protein forms D1019N, D995N, D772N.
Identifiers: ClinVar variation 1445606 (VCV001445606.10), dbSNP rs202020298, ClinGen allele CA317522337.
Genomic context (GRCh38, chr20:63,693,274, plus strand): 5'-GGCTGTGGCTATCGGCCTGAGCACAGCATTCCCCGAAGGCAGCGGGCACAGCCGGTCCTG[G>A]ACCCCACTGGTAAATGGGGCCCCAGGTGGGACCCTCAGACTCCTGCGTGGAAGGCAGTGT-3'
Protein context (NP_001269938.1, residues 985-1005): PRRQRAQPVL[Asp995Asn]PTGRTAPDPK

ClinVar aggregate classification (germline): Uncertain significance. Review status: criteria provided, multiple submitters, no conflicts (2 of 4 stars). 4 submissions from 4 submitters: Uncertain significance (4). Last evaluated 2026-01-19.

Conditions:
Dyskeratosis congenita, autosomal recessive 5 (DKCB5). Identifiers: MedGen C3554656, MONDO:0014076, OMIM 615190.
Pulmonary fibrosis and/or bone marrow failure, Telomere-related, 3. Also called: PULMONARY FIBROSIS AND/OR BONE MARROW FAILURE SYNDROME, TELOMERE-RELATED, 3. Identifiers: Orphanet 2032, MedGen C4225346, MONDO:0014613, OMIM 616373.
Inborn genetic diseases. Identifiers: MedGen C0950123, MeSH D030342.

gnomAD v4.1: 14 of 1,611,578 alleles (0.00087%); highest among the groups gnomAD compares: Admixed American, 0.0017%; no homozygotes.

Submissions (4):

Labcorp Genetics (formerly Invitae), Labcorp
Classification: Uncertain significance for Dyskeratosis congenita, autosomal recessive 5; Pulmonary fibrosis and/or bone marrow failure, Telomere-related, 3. Last evaluated: 2026-01-19. Review status: criteria provided, single submitter. Criteria: Invitae Variant Classification Sherloc (09022015). Collection method: clinical testing. Allele origin: germline.
Comment: This sequence change replaces aspartic acid, which is acidic and polar, with asparagine, which is neutral and polar, at codon 995 of the RTEL1 protein (p.Asp995Asn). This variant is present in population databases (rs202020298, gnomAD 0.003%). This variant has not been reported in the literature in individuals affected with RTEL1-related conditions. ClinVar contains an entry for this variant (Variation ID: 1445606). An algorithm developed to predict the effect of missense changes on protein structure and function (PolyPhen-2) suggests that this variant is likely to be tolerated. In summary, the available evidence is currently insufficient to determine the role of this variant in disease. Therefore, it has been classified as a Variant of Uncertain Significance.

Fulgent Genetics
Classification: Uncertain significance for Dyskeratosis congenita, autosomal recessive 5; Pulmonary fibrosis and/or bone marrow failure, Telomere-related, 3. Last evaluated: 2024-01-10. Review status: criteria provided, single submitter. Criteria: ACMG Guidelines, 2015. Collection method: clinical testing. Allele origin: germline.

Ambry Genetics
Classification: Uncertain significance for Inborn genetic diseases. Last evaluated: 2023-02-16. Review status: criteria provided, single submitter. Criteria: Ambry Variant Classification Scheme 2023. Collection method: clinical testing. Allele origin: germline.

Blueprint Genetics
Classification: Uncertain significance. Last evaluated: 2021-11-26. Review status: criteria provided, single submitter. Criteria: ACMG Guidelines, 2015. Collection method: clinical testing. Allele origin: germline.